The following is an entry in ClinVar:

NM_033028.5(BBS4):c.752A>G (p.Asp251Gly)

Gene: BBS4 (Bardet-Biedl syndrome 4; plus strand). Cytogenetic location: 15q24.1.
Variant type: single nucleotide variant.
Coding change: c.752A>G on transcript NM_033028.5 (MANE Select); coding-DNA position 752, A replaced by G.
Protein change: p.Asp251Gly; replaces aspartic acid 251 with glycine.
Molecular consequence: missense variant. On other transcripts: non-coding transcript variant (2).
Genome position (GRCh38, 1-based): chr15:72,731,345, A>G. VCF-style: chr15-72731345-A-G. GRCh37 (hg19) VCF-style: chr15-73023686-A-G.
Other names: c.236A>G, p.Asp79Gly (NM_001252678.2); c.683A>G, p.Asp228Gly (NM_001320665.2); short protein forms D251G, D228G, D79G.
Identifiers: ClinVar variation 317061 (VCV000317061.15), dbSNP rs148843256, ClinGen allele CA7646760.
Genomic context (GRCh38, chr15:72,731,345, plus strand): 5'-TCTCTGTGCCATGTTTTCAGGCCATCTTGGCAGCAGGCAGCATGATGCAGACCCACGGGG[A>G]CTTTGATGTTGCCCTCACCAAATACAGAGTTGTGGCTTGTGCTGTTCCAGAAAGTCCTCC-3'
Protein context (NP_149017.2, residues 241-261): AAGSMMQTHG[Asp251Gly]FDVALTKYRV

ClinVar aggregate classification (germline): Uncertain significance. Review status: criteria provided, multiple submitters, no conflicts (2 of 4 stars). 6 submissions from 6 submitters: Uncertain significance (6). Last evaluated 2026-04-21.

Conditions:
BBS4-related disorder. Also called: BBS4-related condition.
Bardet-Biedl syndrome 4 (BBS4). Identifiers: Orphanet 110, MedGen C2936864, MONDO:0014433, OMIM 615982.
Bardet-Biedl syndrome (BBS). Identifiers: Orphanet 110, MedGen C0752166, MONDO:0015229.

Allele frequency attached by ClinVar (database versions not stated): gnomAD exomes 0.00002 and 0.00006; ExAC 0.00007; 1000 Genomes Project 30x 0.00016; gnomAD 0.00017 and 0.00019; TOPMed 0.00019; 1000 Genomes Project 0.00020; ESP Exome Variant Server 0.00031.
gnomAD v4.1: 48 of 1,614,120 alleles (0.003%); highest among the groups gnomAD compares: African/African-American, 0.056%; no homozygotes.

Submissions (6):

GeneDx
Classification: Uncertain significance. Last evaluated: 2026-04-21. Review status: criteria provided, single submitter. Criteria: GeneDx Variant Classification Process June 2021. Collection method: clinical testing. Allele origin: germline.
Comment: In silico analysis supports that this missense variant has a deleterious effect on protein structure/function; Has not been previously published as pathogenic or benign to our knowledge

PreventionGenetics, part of Exact Sciences
Classification: Uncertain significance for BBS4-related condition. Last evaluated: 2025-06-26. Review status: criteria provided, single submitter. Criteria: ACMG Guidelines, 2015. Collection method: clinical testing. Allele origin: germline.
Comment: The BBS4 c.752A>G variant is predicted to result in the amino acid substitution p.Asp251Gly. To our knowledge, this variant has not been reported in the literature. This variant is reported in 0.072% of alleles in individuals of African descent in gnomAD, which may be too common to be the primary cause of disease. Although we suspect that this variant may be benign, at this time, the clinical significance of this variant is uncertain due to the absence of conclusive functional and genetic evidence.

Labcorp Genetics (formerly Invitae), Labcorp
Classification: Uncertain significance for Bardet-Biedl syndrome. Last evaluated: 2024-10-26. Review status: criteria provided, single submitter. Criteria: Invitae Variant Classification Sherloc (09022015). Collection method: clinical testing. Allele origin: germline.
Comment: This sequence change replaces aspartic acid, which is acidic and polar, with glycine, which is neutral and non-polar, at codon 251 of the BBS4 protein (p.Asp251Gly). This variant is present in population databases (rs148843256, gnomAD 0.07%). This variant has not been reported in the literature in individuals affected with BBS4-related conditions. ClinVar contains an entry for this variant (Variation ID: 317061). Invitae Evidence Modeling of protein sequence and biophysical properties (such as structural, functional, and spatial information, amino acid conservation, physicochemical variation, residue mobility, and thermodynamic stability) indicates that this missense variant is expected to disrupt BBS4 protein function with a positive predictive value of 80%. In summary, the available evidence is currently insufficient to determine the role of this variant in disease. Therefore, it has been classified as a Variant of Uncertain Significance.

Fulgent Genetics
Classification: Uncertain significance for Bardet-Biedl syndrome 4. Last evaluated: 2022-05-07. Review status: criteria provided, single submitter. Criteria: ACMG Guidelines, 2015. Collection method: clinical testing. Allele origin: unknown.

Blueprint Genetics
Classification: Uncertain significance. Last evaluated: 2021-12-01. Review status: criteria provided, single submitter. Criteria: ACMG Guidelines, 2015. Collection method: clinical testing. Allele origin: germline.

Illumina Laboratory Services, Illumina
Classification: Uncertain significance for Bardet-Biedl syndrome 4. Last evaluated: 2018-01-13. Review status: criteria provided, single submitter. Criteria: ICSL Variant Classification Criteria 13 December 2019. Collection method: clinical testing. Allele origin: germline.